The following is an entry in ClinVar:

ClinVar aggregate classification (germline): Uncertain significance (1 of 4 stars; one submission).

Conditions:
Holoprosencephaly 11 (HPE11). Identifiers: Orphanet 2162, MedGen C3280215, MONDO:0013642, OMIM 614226.

Allele frequency attached by ClinVar (database versions not stated): gnomAD exomes 0.00003; TOPMed 0.00004; gnomAD 0.00005; ExAC 0.00010.
gnomAD v4.1: 52 of 1,613,972 alleles (0.0032%); highest among the groups gnomAD compares: South Asian, 0.026%; no homozygotes.

Submission:

Labcorp Genetics (formerly Invitae), Labcorp
Classification: Uncertain significance for Holoprosencephaly 11. Last evaluated: 2025-12-10. Review status: criteria provided, single submitter. Criteria: Invitae Variant Classification Sherloc (09022015). Collection method: clinical testing. Allele origin: germline.
Comment: This sequence change replaces arginine, which is basic and polar, with glutamine, which is neutral and polar, at codon 458 of the CDON protein (p.Arg458Gln). This variant is present in population databases (rs751107295, gnomAD 0.04%). This variant has not been reported in the literature in individuals affected with CDON-related conditions. ClinVar contains an entry for this variant (Variation ID: 2903226). Invitae Evidence Modeling of protein sequence and biophysical properties (such as structural, functional, and spatial information, amino acid conservation, physicochemical variation, residue mobility, and thermodynamic stability) indicates that this missense variant is not expected to disrupt CDON protein function with a negative predictive value of 80%. In summary, the available evidence is currently insufficient to determine the role of this variant in disease. Therefore, it has been classified as a Variant of Uncertain Significance.

NM_001378964.1(CDON):c.1373G>A (p.Arg458Gln)

Gene: CDON (cell adhesion associated, oncogene regulated; minus strand). Cytogenetic location: 11q24.2.
Variant type: single nucleotide variant.
Coding change: c.1373G>A on transcript NM_001378964.1 (MANE Select); coding-DNA position 1373, G replaced by A.
Protein change: p.Arg458Gln; replaces arginine 458 with glutamine.
Molecular consequence: missense variant.
Genome position (GRCh38, 1-based): chr11:126,010,520, C>T on the plus strand (G>A on the coding strand, the complement: CDON is on the minus strand). VCF-style: chr11-126010520-C-T. GRCh37 (hg19) VCF-style: chr11-125880415-C-T.
Other names: c.1373G>A, p.Arg458Gln (NM_001243597.3, NM_016952.6); short protein forms R458Q.
Identifiers: ClinVar variation 2903226 (VCV002903226.3), dbSNP rs751107295, ClinGen allele CA6352049.